The following is an entry in ClinVar:

NM_001048174.2(MUTYH):c.1447T>A (p.Ser483Thr)

Gene: MUTYH (mutY DNA glycosylase; minus strand). Cytogenetic location: 1p34.1.
Variant type: single nucleotide variant.
Coding change: c.1447T>A on transcript NM_001048174.2 (MANE Select); coding-DNA position 1447, T replaced by A.
Protein change: p.Ser483Thr; replaces serine 483 with threonine.
Molecular consequence: missense variant. On other transcripts: non-coding transcript variant (7).
Genome position (GRCh38, 1-based): chr1:45,329,425, A>T on the plus strand (T>A on the coding strand, the complement: MUTYH is on the minus strand). VCF-style: chr1-45329425-A-T. GRCh37 (hg19) VCF-style: chr1-45795097-A-T.
Other names: c.1447T>A, p.Ser483Thr (NM_001048171.2, NM_001048173.2, NM_001293195.2 and 6 more transcripts); c.1450T>A, p.Ser484Thr (NM_001048172.2, NM_001407071.1, NM_001407078.1 and 1 more transcripts); c.1531T>A, p.Ser511Thr (NM_001128425.2); c.1492T>A, p.Ser498Thr (NM_001293190.2); c.1480T>A, p.Ser494Thr (NM_001293191.2, NM_001407069.1, NM_001407077.1); c.1171T>A, p.Ser391Thr (NM_001293192.2, NM_001293196.2, NM_001407091.1); c.1102T>A, p.Ser368Thr (NM_001350650.2, NM_001350651.2, NM_001407082.1); c.1363T>A, p.Ser455Thr (NM_001407075.1); and 5 more; short protein forms S368T, S391T, S484T, S490T, S494T, S483T, S498T, S508T.
Identifiers: ClinVar variation 2587457 (VCV002587457.6), dbSNP rs2149089955, ClinGen allele CA340131926.

ClinVar aggregate classification (germline): Conflicting classifications of pathogenicity. Review status: criteria provided, conflicting classifications (1 of 4 stars). 2 submissions from 2 submitters: Uncertain significance (1); Benign (1). Last evaluated 2025-09-09.

Conditions:
Familial adenomatous polyposis 2. Also called: ADENOMAS, MULTIPLE COLORECTAL, AUTOSOMAL RECESSIVE; MUTYH-associated polyposis; COLORECTAL ADENOMATOUS POLYPOSIS, AUTOSOMAL RECESSIVE; MUTYH Polyposis; MYH-associated polyposis; Adenomas, multiple colorectal. Identifiers: Orphanet 220460, Orphanet 247798, MedGen C3272841, MONDO:0012041, OMIM 608456.
Hereditary cancer-predisposing syndrome. Also called: Neoplastic Syndromes, Hereditary; Hereditary Cancer Syndrome; Tumor predisposition; Hereditary neoplastic syndrome. Identifiers: Orphanet 140162, MedGen C0027672, MeSH D009386, MONDO:0015356.

Submissions (2):

Ambry Genetics
Classification: Benign for Hereditary cancer-predisposing syndrome. Last evaluated: 2025-09-09. Review status: criteria provided, single submitter. Criteria: Ambry Variant Classification Scheme 2023. Collection method: clinical testing. Allele origin: germline.

Labcorp Genetics (formerly Invitae), Labcorp
Classification: Uncertain significance for Familial adenomatous polyposis 2. Last evaluated: 2022-12-22. Review status: criteria provided, single submitter. Criteria: Invitae Variant Classification Sherloc (09022015). Collection method: clinical testing. Allele origin: germline.
Comment: This sequence change replaces serine, which is neutral and polar, with threonine, which is neutral and polar, at codon 511 of the MUTYH protein (p.Ser511Thr). This variant is not present in population databases (gnomAD no frequency). This variant has not been reported in the literature in individuals affected with MUTYH-related conditions. Algorithms developed to predict the effect of missense changes on protein structure and function (SIFT, PolyPhen-2, Align-GVGD) all suggest that this variant is likely to be tolerated. In summary, the available evidence is currently insufficient to determine the role of this variant in disease. Therefore, it has been classified as a Variant of Uncertain Significance.